The following is an entry in ClinVar:

NM_001958.5(EEF1A2):c.622-3C>T

Gene: EEF1A2 (eukaryotic translation elongation factor 1 alpha 2; minus strand). Cytogenetic location: 20q13.33.
Variant type: single nucleotide variant.
Coding change: c.622-3C>T on transcript NM_001958.5 (MANE Select); 3 bases into the intron before coding-DNA position 622, C replaced by T.
Molecular consequence: intron variant.
Genome position (GRCh38, 1-based): chr20:63,493,290, G>A on the plus strand (C>T on the coding strand, the complement: EEF1A2 is on the minus strand). VCF-style: chr20-63493290-G-A. GRCh37 (hg19) VCF-style: chr20-62124643-G-A.
Identifiers: ClinVar variation 2023543 (VCV002023543.4), dbSNP rs2516781419, ClinGen allele CA2580098416.
Genomic context (GRCh38, chr20:63,493,290, plus strand): 5'-ACACGCCGCTTGCGTTGCCCTCCTTACGCTCCACCTTCCAGCCCTTGAACCACGGCATCT[G>A]GACCAAAGGGAGAAAATCAATCCGTTAAGAGACATTGGTGGCCTCCCCACCCTCAGGCCT-3'

ClinVar aggregate classification (germline): Uncertain significance (1 of 4 stars; one submission).

Conditions:
Developmental and epileptic encephalopathy, 33 (DEE33). Also called: Epileptic encephalopathy, early infantile, 33. Identifiers: Orphanet 442835, MedGen C4225337, MONDO:0014625, OMIM 616409.

Allele frequency attached by ClinVar (database versions not stated): gnomAD exomes below 0.00001.
gnomAD v4.1: 1 of 1,507,484 alleles (0.000066%); highest among the groups gnomAD compares: South Asian, 0.0013%; no homozygotes.

Submission:

Labcorp Genetics (formerly Invitae), Labcorp
Classification: Uncertain significance for Developmental and epileptic encephalopathy, 33. Last evaluated: 2024-10-24. Review status: criteria provided, single submitter. Criteria: Invitae Variant Classification Sherloc (09022015). Collection method: clinical testing. Allele origin: germline.
Comment: This sequence change falls in intron 4 of the EEF1A2 gene. It does not directly change the encoded amino acid sequence of the EEF1A2 protein. It affects a nucleotide within the consensus splice site. This variant is not present in population databases (gnomAD no frequency). This variant has not been reported in the literature in individuals affected with EEF1A2-related conditions. ClinVar contains an entry for this variant (Variation ID: 2023543). Variants that disrupt the consensus splice site are a relatively common cause of aberrant splicing (PMID: 17576681, 9536098). Algorithms developed to predict the effect of sequence changes on RNA splicing suggest that this variant is not likely to affect RNA splicing. In summary, the available evidence is currently insufficient to determine the role of this variant in disease. Therefore, it has been classified as a Variant of Uncertain Significance.

Literature cited by the submitters: PubMed 17576681; PubMed 9536098.